The following is an entry in ClinVar:

NM_024529.5(CDC73):c.132-13delinsAATTA

Gene: CDC73 (cell division cycle 73; plus strand). Cytogenetic location: 1q31.2.
Variant type: Indel.
Coding change: c.132-13delinsAATTA on transcript NM_024529.5 (MANE Select); 13 bases into the intron before coding-DNA position 132, T replaced by AATTA.
Molecular consequence: intron variant.
Genome position (GRCh38, 1-based): chr1:193,125,099, T replaced by AATTA. VCF-style: chr1-193125099-T-AATTA. GRCh37 (hg19) VCF-style: chr1-193094229-T-AATTA.
Other names: c.132-13delTinsAATTA (NM_024529.4).
Identifiers: ClinVar variation 420803 (VCV000420803.15), dbSNP rs1064794712, ClinGen allele CA16617030.
Genomic context (GRCh38, chr1:193,125,099, plus strand): 5'-TATATAAATGAATCCAGCCTGAAGAGTTGAATTAGAATTGTCAGTAAAAAAAATCTTGCC[T>AATTA]TAATTATTTCAGGACTGGAAAGGAAGGCCAACCCAGAGAGTACTACACATTGGATTCCAT-3'

ClinVar aggregate classification (germline): Uncertain significance. Review status: criteria provided, multiple submitters, no conflicts (2 of 4 stars). 2 submissions from 2 submitters: Uncertain significance (2). Last evaluated 2025-05-28.

Submissions (2):

GeneDx
Classification: Uncertain significance. Last evaluated: 2025-05-28. Review status: criteria provided, single submitter. Criteria: GeneDx Variant Classification Process June 2021. Collection method: clinical testing. Allele origin: germline. Affected: yes.
Comment: In silico analysis supports a deleterious effect on splicing; Has not been previously published as pathogenic or benign to our knowledge

Eurofins Ntd Llc (ga)
Classification: Uncertain significance. Last evaluated: 2018-04-06. Review status: criteria provided, single submitter. Criteria: EGL ClinVar v180209 classification definitions. Collection method: clinical testing. Allele origin: germline. Observed: 1 variant allele, 1 heterozygote.